The following is an entry in ClinVar:

ClinVar aggregate classification (germline): Uncertain significance (1 of 4 stars; one submission).

Submission:

GeneDx
Classification: Uncertain significance. Last evaluated: 2024-11-20. Review status: criteria provided, single submitter. Criteria: GeneDx Variant Classification Process June 2021. Collection method: clinical testing. Allele origin: germline. Affected: yes.
Comment: Not observed at significant frequency in large population cohorts (gnomAD); In silico analysis supports that this missense variant has a deleterious effect on protein structure/function; Has not been previously published as pathogenic or benign to our knowledge; This variant is associated with the following publications: (PMID: 33767344)

NM_000540.3(RYR1):c.33G>C (p.Gln11His)

Gene: RYR1 (ryanodine receptor 1; plus strand). Cytogenetic location: 19q13.2.
Variant type: single nucleotide variant.
Coding change: c.33G>C on transcript NM_000540.3 (MANE Select); coding-DNA position 33, G replaced by C.
Protein change: p.Gln11His; replaces glutamine 11 with histidine.
Molecular consequence: missense variant.
Genome position (GRCh38, 1-based): chr19:38,433,862, G>C. VCF-style: chr19-38433862-G-C. GRCh37 (hg19) VCF-style: chr19-38924502-G-C.
Other names: c.33G>C, p.Gln11His (NM_001042723.2); short protein forms Q11H.
Identifiers: ClinVar variation 3900387 (VCV003900387.1).